The following is an entry in ClinVar:

NM_001042492.3(NF1):c.3873_3875dup (p.Tyr1292Ter)

Gene: NF1 (neurofibromin 1; plus strand). Cytogenetic location: 17q11.2.
Variant type: Duplication.
Coding change: c.3873_3875dup on transcript NM_001042492.3 (MANE Select); coding-DNA positions 3873 to 3875, 3 bases duplicated (ATA; older notation c.3873_3875dupATA).
Protein change: p.Tyr1292Ter; replaces tyrosine 1292 with a stop codon.
Molecular consequence: nonsense.
Genome position (GRCh38, 1-based): chr17:31,235,920-31,235,922, ATA duplicated. VCF-style (leftmost placement, unchanged base first): chr17-31235919-T-TATA. GRCh37 (hg19) VCF-style: chr17-29562937-T-TATA.
Other names: c.3873_3875dup, p.Tyr1292_His1626delinsTer (NM_000267.4); short protein forms Y1292*.
Identifiers: ClinVar variation 938894 (VCV000938894.6), dbSNP rs2067193335, ClinGen allele CA1139665348.

ClinVar aggregate classification (germline): Pathogenic (1 of 4 stars; one submission).

Conditions:
Neurofibromatosis, type 1 (NF1). Also called: Peripheral type neurofibromatosis; VON RECKLINGHAUSEN DISEASE; Neurofibromatosis, type I; NEUROFIBROMATOSIS, TYPE I, SOMATIC. Identifiers: Orphanet 636, MedGen C0027831, MONDO:0018975, OMIM 162200. Disease mechanism: loss of function.

Submission:

Labcorp Genetics (formerly Invitae), Labcorp
Classification: Pathogenic for Neurofibromatosis, type 1. Last evaluated: 2019-07-09. Review status: criteria provided, single submitter. Criteria: Invitae Variant Classification Sherloc (09022015). Collection method: clinical testing. Allele origin: germline.
Comment: This sequence change creates a premature translational stop signal (p.Tyr1292*) in the NF1 gene. It is expected to result in an absent or disrupted protein product. This variant is not present in population databases (ExAC no frequency). This nonsense change has been observed in individuals affected with neurofibromatosis type 1 (PMID: 30308447, 23656349). Loss-of-function variants in NF1 are known to be pathogenic (PMID: 10712197, 23913538). For these reasons, this variant has been classified as Pathogenic.

Literature cited by the submitters: PubMed 30308447; PubMed 23656349; PubMed 10712197; PubMed 23913538.